The following is an entry in ClinVar:

ClinVar aggregate classification (germline): Uncertain significance (1 of 4 stars; one submission).

Allele frequency attached by ClinVar (database versions not stated): gnomAD exomes below 0.00001; TOPMed 0.00002.

Submission:

Labcorp Genetics (formerly Invitae), Labcorp
Classification: Uncertain significance. Last evaluated: 2023-10-18. Review status: criteria provided, single submitter. Criteria: Invitae Variant Classification Sherloc (09022015). Collection method: clinical testing. Allele origin: germline.
Comment: This sequence change creates a premature translational stop signal (p.Val546*) in the A2ML1 gene. It is expected to result in an absent or disrupted protein product. However, the current clinical and genetic evidence is not sufficient to establish whether loss-of-function variants in A2ML1 cause disease. This variant is not present in population databases (gnomAD no frequency). This variant has not been reported in the literature in individuals affected with A2ML1-related conditions. ClinVar contains an entry for this variant (Variation ID: 2042643). In summary, the available evidence is currently insufficient to determine the role of this variant in disease. Therefore, it has been classified as a Variant of Uncertain Significance.

NM_144670.6(A2ML1):c.1636del (p.Val545_Val546insTer)

Gene: A2ML1 (alpha-2-macroglobulin like 1; plus strand). Cytogenetic location: 12p13.31.
Variant type: Deletion.
Coding change: c.1636del on transcript NM_144670.6 (MANE Select); coding-DNA position 1636, one base deleted (G; older notation c.1636delG).
Protein change: p.Val545_Val546insTer.
Molecular consequence: nonsense.
Genome position (GRCh38, 1-based): chr12:8,846,175, G deleted. VCF-style (leftmost placement, unchanged base first): chr12-8846174-TG-T. GRCh37 (hg19) VCF-style: chr12-8998770-TG-T.
Other names: c.163del, p.Val54_Val55insTer (NM_001282424.3).
Identifiers: ClinVar variation 2042643 (VCV002042643.4), dbSNP rs565765619, ClinGen allele CA232680633.